The following is an entry in ClinVar:

NM_000410.4(HFE):c.211C>T (p.Arg71Ter)

Genes: HFE-AS1 (HFE antisense RNA 1; minus strand), HFE (homeostatic iron regulator; plus strand). Cytogenetic location: 6p22.2.
Variant type: single nucleotide variant.
Coding change: c.211C>T on transcript NM_000410.4 (MANE Select); coding-DNA position 211, C replaced by T.
Protein change: p.Arg71Ter; replaces arginine 71 with a stop codon.
Molecular consequence: nonsense. On other transcripts: non-coding transcript variant (1), intron variant (4).
Genome position (GRCh38, 1-based): chr6:26,090,975, C>T. VCF-style: chr6-26090975-C-T. GRCh37 (hg19) VCF-style: chr6-26091203-C-T.
Other names: c.211C>T, p.Arg71Ter (NM_001300749.3, NM_001384164.1, NM_001406751.1 and 3 more transcripts); c.142C>T, p.Arg48Ter (NM_139009.3); c.77-339C>T (NM_139007.3, NM_139008.3); c.77-1710C>T (NM_139010.3); c.77-2144C>T (NM_139011.3); short protein forms R48*, R71*.
Identifiers: ClinVar variation 1073981 (VCV001073981.14), dbSNP rs759524388, ClinGen allele CA3666612.
Genomic context (GRCh38, chr6:26,090,975, plus strand): 5'-GGCTACGTGGATGACCAGCTGTTCGTGTTCTATGATCATGAGAGTCGCCGTGTGGAGCCC[C>T]GAACTCCATGGGTTTCCAGTAGAATTTCAAGCCAGATGTGGCTGCAGCTGAGTCAGAGTC-3'

ClinVar aggregate classification (germline): Pathogenic/Likely pathogenic. Review status: criteria provided, multiple submitters, no conflicts (2 of 4 stars). 4 submissions from 4 submitters: Pathogenic (3); Likely pathogenic (1). Last evaluated 2023-02-08.

Conditions:
Hemochromatosis type 1 (HFE1). Also called: HFE-Associated Hereditary Hemochromatosis; HFE-Related Hemochromatosis. Identifiers: Orphanet 465508, MedGen C3469186, MONDO:0021001, OMIM 235200. Disease mechanism: loss of function.
Hereditary hemochromatosis (HFE). Identifiers: MedGen C0392514, MONDO:0006507. Disease mechanism: loss of function.

Allele frequency attached by ClinVar (database versions not stated): gnomAD exomes 0.00001 and 0.00002; TOPMed 0.00001; ExAC 0.00002; gnomAD 0.00001.

Submissions (4):

Genome-Nilou Lab
Classification: Pathogenic for Hemochromatosis type 1. Last evaluated: 2023-02-08. Review status: criteria provided, single submitter. Criteria: ACMG Guidelines, 2015. Collection method: clinical testing. Allele origin: germline.

Department of Pathology and Laboratory Medicine, Sinai Health System
Classification: Likely pathogenic for Hemochromatosis type 1. Last evaluated: 2023-01-17. Review status: criteria provided, single submitter. Criteria: ACMG Guidelines, 2015. Collection method: research. Allele origin: germline.

Labcorp Genetics (formerly Invitae), Labcorp
Classification: Pathogenic for Hereditary hemochromatosis. Last evaluated: 2023-01-10. Review status: criteria provided, single submitter. Criteria: Invitae Variant Classification Sherloc (09022015). Collection method: clinical testing. Allele origin: germline.
Comment: For these reasons, this variant has been classified as Pathogenic. ClinVar contains an entry for this variant (Variation ID: 1073981). This premature translational stop signal has been observed in individual(s) with hereditary hemochromatosis (PMID: 11903354, 22890139). This variant is present in population databases (rs759524388, gnomAD 0.02%). This sequence change creates a premature translational stop signal (p.Arg71*) in the HFE gene. It is expected to result in an absent or disrupted protein product. Loss-of-function variants in HFE are known to be pathogenic (PMID: 27518069).

Dasa
Classification: Pathogenic for Hereditary hemochromatosis. Last evaluated: 2022-01-05. Review status: criteria provided, single submitter. Criteria: ACMG Guidelines, 2015. Collection method: clinical testing. Allele origin: germline. Affected: yes. Observed: 1 variant allele.
Comment: The c.211C>T;p.(Arg71*) variant creates a premature translational stop signal in the HFE gene. It is expected to result in an absent or disrupted protein product -PVS1. This sequence change has been observed in affected individual(s) and ClinVar contains an entry for this variant(ClinVar ID: 1073981; PMID: 11903354; 22890139) - PS4. The variant is present at low allele frequencies population databases (rs759524388 – gnomAD 0.0006573%; ABraOM no frequency) -PM2_supporting. In summary, the currently available evidence indicates that the variant is pathogenic.

Literature cited by the submitters: PubMed 11903354 (cited by Labcorp Genetics (formerly Invitae), Labcorp and Dasa); PubMed 22890139 (cited by Labcorp Genetics (formerly Invitae), Labcorp and Dasa); PubMed 27518069 (cited by Labcorp Genetics (formerly Invitae), Labcorp).